The following is an entry in ClinVar:

NM_016219.5(MAN1B1):c.587G>A (p.Arg196His)

Gene: MAN1B1 (mannosidase alpha class 1B member 1; plus strand). Cytogenetic location: 9q34.3.
Variant type: single nucleotide variant.
Coding change: c.587G>A on transcript NM_016219.5 (MANE Select); coding-DNA position 587, G replaced by A.
Protein change: p.Arg196His; replaces arginine 196 with histidine.
Molecular consequence: missense variant. On other transcripts: non-coding transcript variant (2).
Genome position (GRCh38, 1-based): chr9:137,096,358, G>A. VCF-style: chr9-137096358-G-A. GRCh37 (hg19) VCF-style: chr9-139990810-G-A.
Other names: short protein forms R196H.
Identifiers: ClinVar variation 445685 (VCV000445685.19), dbSNP rs200410163, ClinGen allele CA5358692.

ClinVar aggregate classification (germline): Conflicting classifications of pathogenicity. Review status: criteria provided, conflicting classifications (1 of 4 stars). 4 submissions from 4 submitters: Uncertain significance (2); Benign (1); Likely benign (1). Last evaluated 2026-02-03.

Conditions:
Inborn genetic diseases. Identifiers: MedGen C0950123, MeSH D030342.
Rafiq syndrome (RAFQS). Identifiers: Orphanet 88616, MedGen C3280127, MONDO:0013624, OMIM 614202.

Allele frequency attached by ClinVar (database versions not stated): gnomAD 0.00015 and 0.00017; gnomAD exomes 0.00015 and 0.00021; 1000 Genomes Project 30x 0.00016; ExAC 0.00019; 1000 Genomes Project 0.00020; TOPMed 0.00034.

Submissions (4):

Labcorp Genetics (formerly Invitae), Labcorp
Classification: Likely benign for Rafiq syndrome. Last evaluated: 2026-02-03. Review status: criteria provided, single submitter. Criteria: Invitae Variant Classification Sherloc (09022015). Collection method: clinical testing. Allele origin: germline.

Centre for Mendelian Genomics, University Medical Centre Ljubljana
Classification: Benign for Rafiq syndrome. Last evaluated: 2018-10-29. Review status: criteria provided, single submitter. Criteria: ACMG Guidelines, 2015. Collection method: clinical testing. Allele origin: unknown. Affected: yes.
Comment: This variant was classified as: Benign. The following ACMG criteria were applied in classifying this variant: BS1,BS2.

Ambry Genetics
Classification: Uncertain significance for Inborn genetic diseases. Last evaluated: 2018-09-30. Review status: criteria provided, single submitter. Criteria: Ambry Variant Classification Scheme 2023. Collection method: clinical testing. Allele origin: germline.
Comment: The p.R196H variant (also known as c.587G>A), located in coding exon 4 of the MAN1B1 gene, results from a G to A substitution at nucleotide position 587. The arginine at codon 196 is replaced by histidine, an amino acid with highly similar properties. This amino acid position is poorly conserved on limited sequence alignment. In addition, this alteration is predicted to be tolerated by in silico analysis. Since supporting evidence is limited at this time, the clinical significance of this variant remains unclear.

Center for Pediatric Genomic Medicine, Children's Mercy Hospital and Clinics
Classification: Uncertain significance. Last evaluated: 2017-07-17. Review status: criteria provided, single submitter. Criteria: ACMG Guidelines, 2015. Collection method: clinical testing. Allele origin: germline.